The following is an entry in ClinVar:

NM_001081550.2(THOC2):c.3630A>G (p.Ser1210=)

Gene: THOC2 (THO complex subunit 2; minus strand). Cytogenetic location: Xq25.
Variant type: single nucleotide variant.
Coding change: c.3630A>G on transcript NM_001081550.2 (MANE Select); coding-DNA position 3630, A replaced by G.
Protein change: p.Ser1210=; no amino-acid change (serine 1210 retained).
Molecular consequence: synonymous variant.
Genome position (GRCh38, 1-based): chrX:123,623,157, T>C on the plus strand (A>G on the coding strand, the complement: THOC2 is on the minus strand). VCF-style: chrX-123623157-T-C. GRCh37 (hg19) VCF-style: chrX-122757008-T-C.
Identifiers: ClinVar variation 3341858 (VCV003341858.17).
Genomic context (GRCh38, chrX:123,623,157, plus strand): 5'-AAGCATACCAGTCTCCTCAGTACTGCTTTCATCCGATTTAGATGCACTTCCTATTGATGA[T>C]GAAGAAGGCCCACCACCAGGCCCATTTTGCACACTGGCAACTGCATTCCTCGGAGGGGGG-3'
Protein context (NP_001075019.1, residues 1200-1220): VQNGPGGGPS[Ser1210=]SSIGSASKSD

ClinVar aggregate classification (germline): Benign/Likely benign. Review status: criteria provided, multiple submitters, no conflicts (2 of 4 stars). 2 submissions from 2 submitters: Benign (1); Likely benign (1). Last evaluated 2025-12-30.

gnomAD v4.1: 156 of 1,209,948 alleles (0.013%); highest among the groups gnomAD compares: Non-Finnish European, 0.016%; no homozygotes.

Submissions (2):

Labcorp Genetics (formerly Invitae), Labcorp
Classification: Benign. Last evaluated: 2025-12-30. Review status: criteria provided, single submitter. Criteria: Invitae Variant Classification Sherloc (09022015). Collection method: clinical testing. Allele origin: germline.

CeGaT Center for Human Genetics Tuebingen
Classification: Likely benign. Last evaluated: 2024-08-01. Review status: criteria provided, single submitter. Criteria: CeGaT Center For Human Genetics Tuebingen Variant Classification Criteria Version 2. Collection method: clinical testing. Allele origin: germline. Affected: yes. Observed: 1 variant allele.
Comment: THOC2: BP4, BP7, BS2